The following is an entry in ClinVar:

NM_000075.4(CDK4):c.336G>T (p.Leu112Phe)

Gene: CDK4 (cyclin dependent kinase 4; minus strand). Cytogenetic location: 12q14.1.
Variant type: single nucleotide variant.
Coding change: c.336G>T on transcript NM_000075.4 (MANE Select); coding-DNA position 336, G replaced by T.
Protein change: p.Leu112Phe; replaces leucine 112 with phenylalanine.
Molecular consequence: missense variant.
Genome position (GRCh38, 1-based): chr12:57,751,225, C>A on the plus strand (G>T on the coding strand, the complement: CDK4 is on the minus strand). VCF-style: chr12-57751225-C-A. GRCh37 (hg19) VCF-style: chr12-58145008-C-A.
Other names: short protein forms L112F.
Identifiers: ClinVar variation 823676 (VCV000823676.4), dbSNP rs1595110684, ClinGen allele CA385547555.

ClinVar aggregate classification (germline): Uncertain significance (1 of 4 stars; one submission).

Conditions:
Hereditary cancer-predisposing syndrome. Also called: Neoplastic Syndromes, Hereditary; Tumor predisposition; Hereditary neoplastic syndrome; Hereditary Cancer Syndrome. Identifiers: Orphanet 140162, MedGen C0027672, MeSH D009386, MONDO:0015356.

Submission:

Ambry Genetics
Classification: Uncertain significance for Hereditary cancer-predisposing syndrome. Last evaluated: 2018-09-19. Review status: criteria provided, single submitter. Criteria: Ambry Variant Classification Scheme 2023. Collection method: clinical testing. Allele origin: germline.
Comment: The p.L112F variant (also known as c.336G>T), located in coding exon 2 of the CDK4 gene, results from a G to T substitution at nucleotide position 336. The leucine at codon 112 is replaced by phenylalanine, an amino acid with highly similar properties. This amino acid position is well conserved in available vertebrate species. In addition, the in silico prediction for this alteration is inconclusive. Since supporting evidence is limited at this time, the clinical significance of this alteration remains unclear.